The following is an entry in ClinVar:

NM_001378418.1(TCF20):c.1928G>T (p.Gly643Val)

Gene: TCF20 (transcription factor 20; minus strand). Cytogenetic location: 22q13.2.
Variant type: single nucleotide variant.
Coding change: c.1928G>T on transcript NM_001378418.1 (MANE Select); coding-DNA position 1928, G replaced by T.
Protein change: p.Gly643Val; replaces glycine 643 with valine.
Molecular consequence: missense variant.
Genome position (GRCh38, 1-based): chr22:42,213,378, C>A on the plus strand (G>T on the coding strand, the complement: TCF20 is on the minus strand). VCF-style: chr22-42213378-C-A. GRCh37 (hg19) VCF-style: chr22-42609384-C-A.
Other names: c.1928G>T, p.Gly643Val (NM_005650.4, NM_181492.3); c.1928G>T (NM_005650.1); short protein forms G643V.
Identifiers: ClinVar variation 1982677 (VCV001982677.6), dbSNP rs146680322, ClinGen allele CA324701929.
Genomic context (GRCh38, chr22:42,213,378, plus strand): 5'-CTCCCTCCTCCTCCTGGAGGCTCTGGCTGGGGAAGTGATGCATGACTGGTTTCCTTTGCC[C>A]CACCATTGCTAGGTGGCCTTTGAGTGGCTGCAGGATCATCCTCTTGGGAGCCTTTATCTT-3'
Protein context (NP_001365347.1, residues 633-653): AATQRPPSNG[Gly643Val]AKETSHASLP

ClinVar aggregate classification (germline): Conflicting classifications of pathogenicity. Review status: criteria provided, conflicting classifications (1 of 4 stars). 2 submissions from 2 submitters: Uncertain significance (1); Likely benign (1). Last evaluated 2025-12-18.

Conditions:
Inborn genetic diseases. Identifiers: MedGen C0950123, MeSH D030342.

Allele frequency attached by ClinVar (database versions not stated): gnomAD exomes 0.00002; gnomAD 0.00003; ESP Exome Variant Server 0.00008.
gnomAD v4.1: 41 of 1,614,040 alleles (0.0025%); highest among the groups gnomAD compares: Non-Finnish European, 0.0033%; no homozygotes.

Submissions (2):

Ambry Genetics
Classification: Likely benign for Inborn genetic diseases. Last evaluated: 2025-12-18. Review status: criteria provided, single submitter. Criteria: Ambry Variant Classification Scheme 2023. Collection method: clinical testing. Allele origin: germline.

Labcorp Genetics (formerly Invitae), Labcorp
Classification: Uncertain significance. Last evaluated: 2022-02-19. Review status: criteria provided, single submitter. Criteria: Invitae Variant Classification Sherloc (09022015). Collection method: clinical testing. Allele origin: germline.
Comment: This variant has not been reported in the literature in individuals affected with TCF20-related conditions. In summary, the available evidence is currently insufficient to determine the role of this variant in disease. Therefore, it has been classified as a Variant of Uncertain Significance. Algorithms developed to predict the effect of missense changes on protein structure and function (SIFT, PolyPhen-2, Align-GVGD) all suggest that this variant is likely to be tolerated. This variant is present in population databases (rs146680322, gnomAD 0.002%). This sequence change replaces glycine, which is neutral and non-polar, with valine, which is neutral and non-polar, at codon 643 of the TCF20 protein (p.Gly643Val).